The following is an entry in ClinVar:

ClinVar aggregate classification (germline): Conflicting classifications of pathogenicity. Review status: criteria provided, conflicting classifications (1 of 4 stars). 19 submissions from 19 submitters: Uncertain significance (12); Likely benign (3). 4 of the submissions do not count toward it. Last evaluated 2026-10-01.

Conditions:
BRCA2-related disorder. Also called: BRCA2-related condition; BRCA2-related disorders. Identifiers: MedGen CN239275.
BRCA2-related cancer predisposition. Identifiers: MedGen CN377758, MONDO:0700269.
Hereditary cancer-predisposing syndrome. Also called: Neoplastic Syndromes, Hereditary; Tumor predisposition; Hereditary neoplastic syndrome; Hereditary Cancer Syndrome. Identifiers: Orphanet 140162, MedGen C0027672, MeSH D009386, MONDO:0015356.
Hereditary breast ovarian cancer syndrome. Also called: Breast and ovarian cancer; BRCA1- and BRCA2-Associated Hereditary Breast and Ovarian Cancer; Hereditary breast and/or ovarian cancer syndrome; Hereditary breast and ovarian cancer syndrome; Hereditary breast and ovarian cancer; Hereditary breast and ovarian cancer syndrome (HBOC). Identifiers: Orphanet 145, MedGen C0677776, MeSH D061325, MONDO:0003582. Disease mechanism: loss of function.
Breast-ovarian cancer, familial, susceptibility to, 2 (BROVCA2). Also called: BRCA2 Hereditary Breast and Ovarian Cancer. Identifiers: Orphanet 145, MedGen C2675520, MONDO:0012933, OMIM 612555. Disease mechanism: loss of function.

Allele frequency attached by ClinVar (database versions not stated): gnomAD exomes below 0.00001 and 0.00002; ExAC 0.00001; gnomAD 0.00002; TOPMed 0.00002.
gnomAD v4.1: 29 of 1,614,078 alleles (0.0018%); highest among the groups gnomAD compares: African/African-American, 0.0093%; no homozygotes.

Submissions 1 to 9 of 19:

St. Jude Molecular Pathology, St. Jude Children's Research Hospital
Classification: Uncertain significance for Breast-ovarian cancer, familial, susceptibility to, 2. Last evaluated: 2026-10-01. Review status: criteria provided, single submitter. Criteria: St. Jude Assertion Criteria 2020. Collection method: clinical testing. Allele origin: germline.
Comment: The BRCA2 c.7507G>A p.(Val2503Ile) missense change has a maximum subpopulation frequency of 0.006% in gnomAD v2.1.1. In silico tools predict a benign effect of this variant on protein function, but to our knowledge thi s prediction has not been confirmed by functional studies. This variant has been reported in individuals with breast cancer (PMID 22034289, 27741520). In summary, the evidence currently available is insufficient to determine the clinical significance of this variant. It has therefore been classified as of uncertain significance (VUS-Low).

PreventionGenetics, part of Exact Sciences
Classification: Uncertain significance for BRCA2-related condition. Last evaluated: 2026-02-03. Review status: criteria provided, single submitter. Criteria: ACMG Guidelines, 2015. Collection method: clinical testing. Allele origin: germline.
Comment: The BRCA2 c.7507G>A variant is predicted to result in the amino acid substitution p.Val2503Ile. This variant has been reported in individuals with breast cancer (Table S1, Alvarez et al 2017. PubMed ID: 29088781; Supplemental Information, Momozawa et al. 2018. PubMed ID: 30287823), prostate cancer (Supplementary Table 6, Momozawa et al. 2020. PubMed ID: 31214711), pancreatic cancer (Supplementary Table 6, Mizukami et al. 2020. PubMed ID: 32980694), non-medullary thyroid cancer (Yu et al. 2015. PubMed ID: 26530882), biliary cancer (Table S3, Terashima et al. 2019. PubMed ID: 31666926; Supplementary Table 2, Okawa et al. 2023. PubMed ID: 36243179), and in unaffected controls (Supplementary Table 1, Dong. 2021. PubMed ID: 32467295; Supplementary Table 2, Okawa et al. 2023. PubMed ID: 36243179). A functional study noted inconclusive results regarding this variant's impact on protein function and classified variant as benign (Guo et al. 2023. PubMed ID: 37731132). This variant is reported in 0.0062% of alleles in individuals of African descent in gnomAD, and has conflicting classifications in ClinVar ranging from of likely benign to uncertain significance (Variation ID: 142036). At this time, the clinical significance of this variant is uncertain due to the absence of conclusive functional and genetic evidence.

Labcorp Genetics (formerly Invitae), Labcorp
Classification: Uncertain significance for Hereditary breast ovarian cancer syndrome. Last evaluated: 2025-12-24. Review status: criteria provided, single submitter. Criteria: Invitae Variant Classification Sherloc (09022015). Collection method: clinical testing. Allele origin: germline.
Comment: This sequence change replaces valine, which is neutral and non-polar, with isoleucine, which is neutral and non-polar, at codon 2503 of the BRCA2 protein (p.Val2503Ile). This variant is present in population databases (rs587782191, gnomAD 0.007%). This missense change has been observed in individual(s) with breast cancer, ovarian cancer, pancreatic cancer, and/or familial non-medullary thyroid cancer (PMID: 22034289, 25802882, 26530882, 27741520, 29088781, 30287823, 32980694). ClinVar contains an entry for this variant (Variation ID: 142036). Invitae Evidence Modeling of protein sequence and biophysical properties (such as structural, functional, and spatial information, amino acid conservation, physicochemical variation, residue mobility, and thermodynamic stability) indicates that this missense variant is not expected to disrupt BRCA2 protein function with a negative predictive value of 95%. Experimental studies are conflicting or provide insufficient evidence to determine the effect of this variant on BRCA2 function (PMID: 37731132). In summary, the available evidence is currently insufficient to determine the role of this variant in disease. Therefore, it has been classified as a Variant of Uncertain Significance.

German Consortium for Hereditary Breast and Ovarian Cancer, University Hospital Cologne
Classification: Likely benign for Hereditary breast ovarian cancer syndrome. Last evaluated: 2025-11-17. Review status: criteria provided, single submitter. Criteria: ClinGen BRCA2 V1.1.0. Collection method: curation. Allele origin: germline.
Comment: This classification follows the ClinGen ENIGMA BRCA2 v1.1.0 classification scheme; We chose these criteria: PP4 (supporting pathogenic): combined LR Score (UCSC): 3.553 , BP4 (supporting benign): inside a (potentially) clinicallyimportant functional domain BayesDEL:-0.338243 SpliceAI: 0.06 , BS3 (strong benign): Huang et al., 2025: (Tab S6B und S8): B strong, ACMG: LB Sahu et al., 2024 (Tab. S5, S6): LB

Quest Diagnostics Nichols Institute San Juan Capistrano
Classification: Uncertain significance. Last evaluated: 2025-11-07. Review status: criteria provided, single submitter. Criteria: Quest Diagnostics criteria. Collection method: clinical testing. Allele origin: unknown.
Comment: The BRCA2 c.7507G>A (p.Val2503Ile) variant has been reported in the published literature in individuals with breast cancer (PMIDs: 22034289 (2012), 27741520 (2016), 29088781 (2017), and 30287823 (2018)), non-medullary thyroid cancer (PMID: 26530882 (2015)), prostate cancer (PMID: 31214711 (2020)), biliary tract cancer (PMIDs: 31666926 (2019) and 36243179 (2022)), and pancreatic cancer (PMID: 32980694 (2020). It has also been reported in reportedly unaffected individuals (PMIDs: 30287823 (2018), 31214711 (2020), and 36243179 (2022)). A functional study demonstrated that this variant had an inconclusive effect on protein function (PMID: 37731132 (2023)). The frequency of this variant in the general population (Genome Aggregation Database) is uninformative in the assessment of its pathogenicity. Analysis of this variant using bioinformatics tools for the prediction of the effect of amino acid changes on protein structure and function yielded predictions that this variant is benign. Based on the available information, we are unable to determine the clinical significance of this variant.

Color Diagnostics, LLC DBA Color Health
Classification: Likely benign for Hereditary cancer-predisposing syndrome. Last evaluated: 2024-11-05. Review status: criteria provided, single submitter. Criteria: ACMG Guidelines, 2015. Collection method: clinical testing. Allele origin: germline.

Molecular Pathology, Peter Maccallum Cancer Centre
Classification: Uncertain significance for Breast-ovarian cancer, familial, susceptibility to, 2. Last evaluated: 2024-04-27. Review status: criteria provided, single submitter. Criteria: ACMG Guidelines, 2015. Collection method: clinical testing. Allele origin: germline. Inheritance: Autosomal dominant inheritance.

All of Us Research Program, National Institutes of Health
Classification: Uncertain significance for Breast-ovarian cancer, familial, susceptibility to, 2. Last evaluated: 2023-12-01. Review status: criteria provided, single submitter. Criteria: ACMG Guidelines, 2015. Collection method: clinical testing. Allele origin: germline. Inheritance: Autosomal dominant inheritance. Observed: 5 variant alleles, 5 heterozygotes.
Comment: This missense variant replaces valine with isoleucine at codon 2503 of the BRCA2 protein. Computational prediction suggests that this variant may not impact protein structure and function (internally defined REVEL score threshold <= 0.5, PMID: 27666373). To our knowledge, functional studies have not been reported for this variant. This variant has been reported in individuals affected with breast and/or ovarian cancer (PMID: 22034289, 25802882, 27741520, 29088781), an individual affected with familial non-medullary thyroid cancer (PMID: 26530882), and in an individual affected with bile duct cancer (PMID: 31666926). This variant has also been detected in breast, pancreatic and prostate case-controls studies in the Japanese population and found in both cohorts, in which disease association could not be established (PMID: 30287823, 31214711, 32980694). This variant has been identified in 1/251416 chromosomes in the general population by the Genome Aggregation Database (gnomAD). The available evidence is insufficient to determine the role of this variant in disease conclusively. Therefore, this variant is classified as a Variant of Uncertain Significance.

This study involves interpretation of variants in research participants for the purpose of population health screening. Participant phenotype was not available at the time of variant classification. Additional details can be found in publication PMID: 35346344, PMCID: PMC8962531

Department of Pathology and Laboratory Medicine, Sinai Health System
Classification: Uncertain significance for BRCA2-related cancer predisposition. Last evaluated: 2023-06-23. Review status: criteria provided, single submitter. Criteria: ACMG Guidelines, 2015. Collection method: clinical testing. Allele origin: germline. Affected: no.

NM_000059.4(BRCA2):c.7507G>A (p.Val2503Ile)

Gene: BRCA2 (BRCA2 DNA repair associated; plus strand). Cytogenetic location: 13q13.1.
Variant type: single nucleotide variant.
Coding change: c.7507G>A on transcript NM_000059.4 (MANE Select); coding-DNA position 7507, G replaced by A.
Protein change: p.Val2503Ile; replaces valine 2503 with isoleucine.
Molecular consequence: missense variant.
Genome position (GRCh38, 1-based): chr13:32,356,499, G>A. VCF-style: chr13-32356499-G-A. GRCh37 (hg19) VCF-style: chr13-32930636-G-A.
Other names: short protein forms V2503I.
Identifiers: ClinVar variation 142036 (VCV000142036.45), dbSNP rs587782191, ClinGen allele CA025124.